The following is an entry in ClinVar:

NM_003722.5(TP63):c.416C>T (p.Ala139Val)

Gene: TP63 (tumor protein p63; plus strand). Cytogenetic location: 3q28.
Variant type: single nucleotide variant.
Coding change: c.416C>T on transcript NM_003722.5 (MANE Select); coding-DNA position 416, C replaced by T.
Protein change: p.Ala139Val; replaces alanine 139 with valine.
Molecular consequence: missense variant. On other transcripts: intron variant (2).
Genome position (GRCh38, 1-based): chr3:189,808,363, C>T. VCF-style: chr3-189808363-C-T. GRCh37 (hg19) VCF-style: chr3-189526152-C-T.
Other names: c.416C>T, p.Ala139Val (NM_001114978.2, NM_001114979.2, NM_001329144.2 and 1 more transcripts); c.134C>T, p.Ala45Val (NM_001114980.2, NM_001114981.2, NM_001114982.2 and 2 more transcripts); c.410C>T, p.Ala137Val (NM_001329964.2); c.42+18521C>T (NM_001329146.2, NM_001329150.2); short protein forms A137V, A139V, A45V.
Identifiers: ClinVar variation 2075587 (VCV002075587.3), dbSNP rs751300168, ClinGen allele CA2752132.

ClinVar aggregate classification (germline): Uncertain significance (1 of 4 stars; one submission).

Conditions:
TP63-Related Spectrum Disorders.

Allele frequency attached by ClinVar (database versions not stated): ExAC 0.00001; gnomAD 0.00001; TOPMed 0.00001.
gnomAD v4.1: 8 of 1,614,080 alleles (0.0005%); highest among the groups gnomAD compares: Non-Finnish European, 0.00068%; no homozygotes.

Submission:

Labcorp Genetics (formerly Invitae), Labcorp
Classification: Uncertain significance. Last evaluated: 2022-07-03. Review status: criteria provided, single submitter. Criteria: Invitae Variant Classification Sherloc (09022015). Collection method: clinical testing. Allele origin: germline.
Comment: In summary, the available evidence is currently insufficient to determine the role of this variant in disease. Therefore, it has been classified as a Variant of Uncertain Significance. Algorithms developed to predict the effect of missense changes on protein structure and function are either unavailable or do not agree on the potential impact of this missense change (SIFT: "Deleterious"; PolyPhen-2: "Benign"; Align-GVGD: "Class C0"). This sequence change replaces alanine, which is neutral and non-polar, with valine, which is neutral and non-polar, at codon 139 of the TP63 protein (p.Ala139Val). This variant is present in population databases (rs751300168, gnomAD 0.003%). This variant has not been reported in the literature in individuals affected with TP63-related conditions.